The following is an entry in ClinVar:

ClinVar aggregate classification (germline): Uncertain significance (1 of 4 stars; one submission).

Conditions:
KBG syndrome (KBGS). Also called: ANKRD11-Related KBG Syndrome. Identifiers: Orphanet 2332, MedGen C0220687, MONDO:0007846, OMIM 148050.

gnomAD v4.1: 1 of 1,614,210 alleles (0.000062%); highest among the groups gnomAD compares: Admixed American, 0.0017%; no homozygotes.

Submission:

Labcorp Genetics (formerly Invitae), Labcorp
Classification: Uncertain significance for KBG syndrome. Last evaluated: 2025-11-28. Review status: criteria provided, single submitter. Criteria: Invitae Variant Classification Sherloc (09022015). Collection method: clinical testing. Allele origin: germline.
Comment: This sequence change replaces threonine, which is neutral and polar, with isoleucine, which is neutral and non-polar, at codon 1785 of the ANKRD11 protein (p.Thr1785Ile). This variant is present in population databases (no rsID available, gnomAD 0.003%). This variant has not been reported in the literature in individuals affected with ANKRD11-related conditions. Invitae Evidence Modeling of protein sequence and biophysical properties (such as structural, functional, and spatial information, amino acid conservation, physicochemical variation, residue mobility, and thermodynamic stability) indicates that this missense variant is not expected to disrupt ANKRD11 protein function with a negative predictive value of 95%. In summary, the available evidence is currently insufficient to determine the role of this variant in disease. Therefore, it has been classified as a Variant of Uncertain Significance.

NM_013275.6(ANKRD11):c.5354C>T (p.Thr1785Ile)

Gene: ANKRD11 (ankyrin repeat domain 11; minus strand). Cytogenetic location: 16q24.3.
Variant type: single nucleotide variant.
Coding change: c.5354C>T on transcript NM_013275.6 (MANE Select); coding-DNA position 5354, C replaced by T.
Protein change: p.Thr1785Ile; replaces threonine 1785 with isoleucine.
Molecular consequence: missense variant.
Genome position (GRCh38, 1-based): chr16:89,281,188, G>A on the plus strand (C>T on the coding strand, the complement: ANKRD11 is on the minus strand). VCF-style: chr16-89281188-G-A. GRCh37 (hg19) VCF-style: chr16-89347596-G-A.
Other names: c.5354C>T, p.Thr1785Ile (NM_001256182.2, NM_001256183.2); short protein forms T1785I.
Identifiers: ClinVar variation 4766351 (VCV004766351.1).